The following is an entry in ClinVar:

ClinVar aggregate classification (germline): Likely pathogenic (1 of 4 stars; one submission).

Conditions:
Neurodevelopmental disorder. Identifiers: MedGen C1535926, MeSH D065886, MONDO:0700092.

Submission:

Victorian Clinical Genetics Services, Murdoch Childrens Research Institute
Classification: Likely pathogenic for Neurodevelopmental disorder. Last evaluated: 2025-10-14. Review status: criteria provided, single submitter. Criteria: ACMG Guidelines, 2015. Collection method: clinical testing. Allele origin: germline. Affected: yes.
Comment: This variant is classified as Likely pathogenic. Evidence in support of pathogenic classification: Variant is absent from gnomAD (v2, v3 and v4); This variant has limited previous evidence of pathogenicity in an unrelated individual. This variant has been identified as de novo in an individual from a large neurodevelopmental disorders cohort (PMIDs: 36350923, 35468861); Missense variant predicted to be damaging by in silico tool(s) or highly conserved with a major amino acid change; Additional information: Variant is predicted to result in a missense amino acid change from Trp to Gly; This variant is heterozygous; This gene is associated with both recessive and dominant disease. Biallelic pathogenic variants are associated with a more severe, syndromic intellectual disability (PMID: 29276005; DECIPHER). Heterozygous variants have also been reported in association with autosomal dominant intellectual developmental disorder; however, these variants are also frequently observed in apparently unaffected individuals (PMIDs: 29276005, 30217758, 30409806); Alternative amino acid change(s) at the same position are present in gnomAD (Highest allele count: v4: 1 heterozygote(s), 0 homozygote(s)) ; No published evidence of segregation with disease has been identified for this variant; No published functional evidence has been identified for this variant; No comparable missense variants have previous evidence for pathogenicity; Variant is located in the annotated ARID/BRIGHT DNA binding domain (DECIPHER); Loss of function is a known mechanism of disease in this gene and is associated with autosomal recessive intellectual disability 65 (MIM#618109) and autosomal dominant neurodevelopmental disorder (MONDO:0700092), KDM5B-related; The condition associated with this gene has incomplete penetrance. While the recessive condition is fully penetrant, incomplete penetrance has been suggested for the autosomal dominant condition, where unaffected carriers of loss of function variants have been reported (PMID: 30217758, 30409806); Variants in this gene are known to have variable expressivity (PMID: 39202393).

Literature cited by the submitters: PubMed 29276005; PubMed 30217758; PubMed 39202393; PubMed 35468861; PubMed 36350923; PubMed 30409806.

NM_006618.5(KDM5B):c.454T>G (p.Trp152Gly)

Gene: KDM5B (lysine demethylase 5B; minus strand). Cytogenetic location: 1q32.1.
Variant type: single nucleotide variant.
Coding change: c.454T>G on transcript NM_006618.5 (MANE Select); coding-DNA position 454, T replaced by G.
Protein change: p.Trp152Gly; replaces tryptophan 152 with glycine.
Molecular consequence: missense variant.
Genome position (GRCh38, 1-based): chr1:202,773,240, A>C on the plus strand (T>G on the coding strand, the complement: KDM5B is on the minus strand). VCF-style: chr1-202773240-A-C. GRCh37 (hg19) VCF-style: chr1-202742368-A-C.
Other names: c.454T>G, p.Trp152Gly (NM_001314042.2, NM_001347591.2); c.439T>G, p.Trp147Gly (NM_001399817.1); short protein forms W147G, W152G.
Identifiers: ClinVar variation 4531375 (VCV004531375.1).
Genomic context (GRCh38, chr1:202,773,240, plus strand): 5'-TGATATGTGAGCCCACTGCTTTGCCAGGAGCAAACCCCATCTTGGTAGCAATTTTGGTCC[A>C]TTTTCTATCCTTGCAAACAACTGCAAATCCACCTTCTTCTGCAACTAACTGTTAAAATAG-3'
Protein context (NP_006609.3, residues 142-162): GFAVVCKDRK[Trp152Gly]TKIATKMGFA